The following is an entry in ClinVar:

NM_015488.5(PNKD):c.1127G>A (p.Arg376His)

Genes: PNKD (PNKD metallo-beta-lactamase domain containing; plus strand), CATIP-AS2 (CATIP antisense RNA 2; minus strand). Cytogenetic location: 2q35.
Variant type: single nucleotide variant.
Coding change: c.1127G>A on transcript NM_015488.5 (MANE Select); coding-DNA position 1127, G replaced by A.
Protein change: p.Arg376His; replaces arginine 376 with histidine.
Molecular consequence: missense variant.
Genome position (GRCh38, 1-based): chr2:218,344,950, G>A. VCF-style: chr2-218344950-G-A. GRCh37 (hg19) VCF-style: chr2-219209673-G-A.
Other names: c.1055G>A, p.Arg352His (NM_022572.5); short protein forms R352H, R376H.
Identifiers: ClinVar variation 940555 (VCV000940555.9), dbSNP rs781473009, ClinGen allele CA2104212.

ClinVar aggregate classification (germline): Uncertain significance (1 of 4 stars; one submission).

Conditions:
Paroxysmal nonkinesigenic dyskinesia. Also called: Paroxysmal non-kinesigenic dyskinesia. Identifiers: Orphanet 98810, MedGen C1869117, MONDO:0700088.

Allele frequency attached by ClinVar (database versions not stated): gnomAD 0.00001; gnomAD exomes 0.00002 and 0.00004; TOPMed 0.00002; ExAC 0.00004.
gnomAD v4.1: 33 of 1,613,782 alleles (0.002%); highest among the groups gnomAD compares: Admixed American, 0.012%; no homozygotes.

Submission:

Labcorp Genetics (formerly Invitae), Labcorp
Classification: Uncertain significance for Paroxysmal nonkinesigenic dyskinesia. Last evaluated: 2025-08-09. Review status: criteria provided, single submitter. Criteria: Invitae Variant Classification Sherloc (09022015). Collection method: clinical testing. Allele origin: germline.
Comment: This sequence change replaces arginine, which is basic and polar, with histidine, which is basic and polar, at codon 376 of the PNKD protein (p.Arg376His). This variant is present in population databases (rs781473009, gnomAD 0.009%). This variant has not been reported in the literature in individuals affected with PNKD-related conditions. ClinVar contains an entry for this variant (Variation ID: 940555). Invitae Evidence Modeling of protein sequence and biophysical properties (such as structural, functional, and spatial information, amino acid conservation, physicochemical variation, residue mobility, and thermodynamic stability) indicates that this missense variant is expected to disrupt PNKD protein function with a positive predictive value of 80%. In summary, the available evidence is currently insufficient to determine the role of this variant in disease. Therefore, it has been classified as a Variant of Uncertain Significance.